The following is an entry in ClinVar:

ClinVar aggregate classification (germline): Pathogenic (1 of 4 stars; one submission).

Conditions:
Joubert syndrome. Also called: CEREBELLOPARENCHYMAL DISORDER IV; JOUBERT-BOLTSHAUSER SYNDROME; Familial aplasia of the vermis. Identifiers: Orphanet 475, MedGen C5979921, MONDO:0018772.

Submission:

Labcorp Genetics (formerly Invitae), Labcorp
Classification: Pathogenic for Joubert syndrome. Last evaluated: 2024-06-20. Review status: criteria provided, single submitter. Criteria: Invitae Variant Classification Sherloc (09022015). Collection method: clinical testing. Allele origin: germline.
Comment: This sequence change creates a premature translational stop signal (p.Leu851Phefs*13) in the AHI1 gene. It is expected to result in an absent or disrupted protein product. Loss-of-function variants in AHI1 are known to be pathogenic (PMID: 15322546, 16453322, 28442542, 29186038). This variant is not present in population databases (gnomAD no frequency). This variant has not been reported in the literature in individuals affected with AHI1-related conditions. Algorithms developed to predict the effect of sequence changes on RNA splicing suggest that this variant may disrupt the consensus splice site. For these reasons, this variant has been classified as Pathogenic.

Literature cited by the submitters: PubMed 15322546; PubMed 16453322; PubMed 28442542; PubMed 29186038.

NM_001134831.2(AHI1):c.2552dup (p.Leu851fs)

Gene: AHI1 (Abelson helper integration site 1; minus strand). Cytogenetic location: 6q23.3.
Variant type: Duplication.
Coding change: c.2552dup on transcript NM_001134831.2 (MANE Select); coding-DNA position 2552, one base duplicated (T; older notation c.2552dupT).
Protein change: p.Leu851fs; shifts the reading frame from leucine 851.
Molecular consequence: frameshift variant.
Genome position (GRCh38, 1-based): chr6:135,428,700, A duplicated on the plus strand (T on the coding strand, the reverse complement: AHI1 is on the minus strand); the first of 3 consecutive A bases (chr6:135,428,700-135,428,702); duplicating any one gives the same sequence. VCF-style (leftmost placement, unchanged base first): chr6-135428699-C-CA. GRCh37 (hg19) VCF-style: chr6-135749837-C-CA.
Other names: c.2552dup, p.Leu851fs (NM_001134830.2, NM_001134832.2, NM_001350503.2 and 2 more transcripts); short protein forms L851fs.
Identifiers: ClinVar variation 3615669 (VCV003615669.2).